The following is an entry in ClinVar:

ClinVar aggregate classification (germline): Conflicting classifications of pathogenicity. Review status: criteria provided, conflicting classifications (1 of 4 stars). 2 submissions from 2 submitters: Uncertain significance (1); Likely benign (1). Last evaluated 2025-08-12.

Conditions:
Vici syndrome (VICIS). Identifiers: Orphanet 1493, MedGen C1855772, MONDO:0009452, OMIM 242840.

Submissions (2):

Labcorp Genetics (formerly Invitae), Labcorp
Classification: Likely benign for Vici syndrome. Last evaluated: 2025-08-12. Review status: criteria provided, single submitter. Criteria: Invitae Variant Classification Sherloc (09022015). Collection method: clinical testing. Allele origin: germline.

Dasa
Classification: Uncertain significance. Last evaluated: 2024-08-04. Review status: criteria provided, single submitter. Criteria: DASA Assertion Criteria. Collection method: clinical testing. Allele origin: germline.
Comment: NM_020964.3(EPG5):c.6049+8G>A is a splice-region variant. This variant is absent from population databases. Computational prediction algorithms are consistent with a benign effect. The currently available literature and clinical evidence are not sufficient to establish a definitive association between this variant and the reported condition. Therefore, this variant is classified as a variant of uncertain significance.

NM_020964.3(EPG5):c.6049+8G>A

Gene: EPG5 (ectopic P-granules 5 autophagy tethering factor; minus strand). Cytogenetic location: 18q12.3.
Variant type: single nucleotide variant.
Coding change: c.6049+8G>A on transcript NM_020964.3 (MANE Select); 8 bases into the intron after coding-DNA position 6049, G replaced by A.
Molecular consequence: intron variant.
Genome position (GRCh38, 1-based): chr18:45,876,228, C>T on the plus strand (G>A on the coding strand, the complement: EPG5 is on the minus strand). VCF-style: chr18-45876228-C-T. GRCh37 (hg19) VCF-style: chr18-43456193-C-T.
Other names: c.6049+8G>A (NM_001410858.1); c.6046+8G>A (NM_001410859.1).
Identifiers: ClinVar variation 4711812 (VCV004711812.3).